The following is an entry in ClinVar:

ClinVar aggregate classification (germline): Uncertain significance. Review status: criteria provided, multiple submitters, no conflicts (2 of 4 stars). 2 submissions from 2 submitters: Uncertain significance (2). Last evaluated 2026-01-01.

Allele frequency attached by ClinVar (database versions not stated): gnomAD 0.00001; TOPMed 0.00002.
gnomAD v4.1: 4 of 1,524,648 alleles (0.00026%); highest among the groups gnomAD compares: African/African-American, 0.0029%; no homozygotes.

Submissions (2):

CeGaT Center for Human Genetics Tuebingen
Classification: Uncertain significance. Last evaluated: 2026-01-01. Review status: criteria provided, single submitter. Criteria: CeGaT Center For Human Genetics Tuebingen Variant Classification Criteria Version 2. Collection method: clinical testing. Allele origin: germline. Affected: yes. Observed: 1 variant allele.

Labcorp Genetics (formerly Invitae), Labcorp
Classification: Uncertain significance. Last evaluated: 2022-11-11. Review status: criteria provided, single submitter. Criteria: Invitae Variant Classification Sherloc (09022015). Collection method: clinical testing. Allele origin: germline.
Comment: This sequence change replaces threonine, which is neutral and polar, with methionine, which is neutral and non-polar, at codon 25 of the LMNB1 protein (p.Thr25Met). The frequency data for this variant in the population databases is considered unreliable, as metrics indicate poor data quality at this position in the gnomAD database. This variant has not been reported in the literature in individuals affected with LMNB1-related conditions. Advanced modeling of protein sequence and biophysical properties (such as structural, functional, and spatial information, amino acid conservation, physicochemical variation, residue mobility, and thermodynamic stability) performed at Invitae indicates that this missense variant is expected to disrupt LMNB1 protein function. In summary, the available evidence is currently insufficient to determine the role of this variant in disease. Therefore, it has been classified as a Variant of Uncertain Significance.

NM_005573.4(LMNB1):c.74C>T (p.Thr25Met)

Gene: LMNB1 (lamin B1; plus strand). Cytogenetic location: 5q23.2.
Variant type: single nucleotide variant.
Coding change: c.74C>T on transcript NM_005573.4 (MANE Select); coding-DNA position 74, C replaced by T.
Protein change: p.Thr25Met; replaces threonine 25 with methionine.
Molecular consequence: missense variant. On other transcripts: non-coding transcript variant (2), intron variant (1).
Genome position (GRCh38, 1-based): chr5:126,777,582, C>T. VCF-style: chr5-126777582-C-T. GRCh37 (hg19) VCF-style: chr5-126113274-C-T.
Other names: c.-272+338C>T (NM_001198557.2); short protein forms T25M.
Identifiers: ClinVar variation 2978393 (VCV002978393.7), dbSNP rs956587497, ClinGen allele CA126939086.
Genomic context (GRCh38, chr5:126,777,582, plus strand): 5'-CCCCCGTGCCGCCGCGGATGGGCAGCCGCGCTGGCGGCCCCACCACGCCGCTGAGCCCCA[C>T]GCGCCTGTCGCGGCTCCAGGAGAAGGAGGAGCTGCGCGAGCTCAATGACCGGCTGGCGGT-3'
Protein context (NP_005564.1, residues 15-35): AGGPTTPLSP[Thr25Met]RLSRLQEKEE